The following is an entry in ClinVar:

NM_003476.5(CSRP3):c.95A>G (p.Lys32Arg)

Gene: CSRP3 (cysteine and glycine rich protein 3; minus strand). Cytogenetic location: 11p15.1.
Variant type: single nucleotide variant.
Coding change: c.95A>G on transcript NM_003476.5 (MANE Select); coding-DNA position 95, A replaced by G.
Protein change: p.Lys32Arg; replaces lysine 32 with arginine.
Molecular consequence: missense variant.
Genome position (GRCh38, 1-based): chr11:19,192,354, T>C on the plus strand (A>G on the coding strand, the complement: CSRP3 is on the minus strand). VCF-style: chr11-19192354-T-C. GRCh37 (hg19) VCF-style: chr11-19213901-T-C.
Other names: c.95A>G, p.Lys32Arg (NM_001369404.1); short protein forms K32R.
Identifiers: ClinVar variation 1191193 (VCV001191193.4), dbSNP rs2133516292, ClinGen allele CA379888503.
Genomic context (GRCh38, chr11:19,192,354, plus strand): 5'-TGTCCGGATGCTGAGGGGCCCCCAGGGTGTCCACCCAACTCACTGCAGTGGAAACACGTC[T>C]TGTGGAAACTCCTTCCATTGCACTGGATTTCTTCTGCATGGTAGACGGTCTTTTCACAGG-3'
Protein context (NP_003467.1, residues 22-42): EIQCNGRSFH[Lys32Arg]TCFHCMACRK

ClinVar aggregate classification (germline): Uncertain significance. Review status: criteria provided, multiple submitters, no conflicts (2 of 4 stars). 2 submissions from 2 submitters: Uncertain significance (2). Last evaluated 2024-08-01.

Conditions:
Dilated cardiomyopathy 1M (CMD1M). Identifiers: Orphanet 154, MedGen C1843808, MONDO:0011840, OMIM 607482.
Hypertrophic cardiomyopathy 12. Identifiers: MedGen C2677491, MONDO:0012804, OMIM 612124.

Submissions (2):

Labcorp Genetics (formerly Invitae), Labcorp
Classification: Uncertain significance for Hypertrophic cardiomyopathy 12; Dilated cardiomyopathy 1M. Last evaluated: 2024-08-01. Review status: criteria provided, single submitter. Criteria: Invitae Variant Classification Sherloc (09022015). Collection method: clinical testing. Allele origin: germline.
Comment: This sequence change replaces lysine, which is basic and polar, with arginine, which is basic and polar, at codon 32 of the CSRP3 protein (p.Lys32Arg). This variant is not present in population databases (gnomAD no frequency). This variant has not been reported in the literature in individuals affected with CSRP3-related conditions. ClinVar contains an entry for this variant (Variation ID: 1191193). An algorithm developed to predict the effect of missense changes on protein structure and function (PolyPhen-2) suggests that this variant is likely to be disruptive. In summary, the available evidence is currently insufficient to determine the role of this variant in disease. Therefore, it has been classified as a Variant of Uncertain Significance.

GeneDx
Classification: Uncertain significance. Last evaluated: 2019-04-26. Review status: criteria provided, single submitter. Criteria: GeneDx Variant Classification Process June 2021. Collection method: clinical testing. Allele origin: germline. Affected: yes.
Comment: Has not been previously published as pathogenic or benign to our knowledge; Not observed in large population cohorts (Lek et al., 2016); In silico analysis, which includes protein predictors and evolutionary conservation, supports that this variant does not alter protein structure/function